The following is an entry in ClinVar:

NM_001379500.1(COL18A1):c.107-12606G>A

Gene: COL18A1 (collagen type XVIII alpha 1 chain; plus strand). Cytogenetic location: 21q22.3.
Variant type: single nucleotide variant.
Coding change: c.107-12606G>A on transcript NM_001379500.1 (MANE Select); 12606 bases into the intron before coding-DNA position 107, G replaced by A.
Molecular consequence: intron variant. On other transcripts: missense variant (2).
Genome position (GRCh38, 1-based): chr21:45,455,636, G>A. VCF-style: chr21-45455636-G-A. GRCh37 (hg19) VCF-style: chr21-46875550-G-A.
Other names: c.106G>A, p.Glu36Lys (NM_030582.4, NM_130444.3); short protein forms E36K.
Identifiers: ClinVar variation 1986287 (VCV001986287.4), dbSNP rs2517511434, ClinGen allele CA410505148.
Genomic context (GRCh38, chr21:45,455,636, plus strand): 5'-TGCTGCCTGGCGGCTGCCCGGGCCAACCTGCTGAACCTGAACTGGCTTTGGTTCAATAAT[G>A]AGGACACCAGCCATGCAGCTACCACGATCCCTGAGCCCCAGGGGCCCCTGCCTGTGCAGC-3'

ClinVar aggregate classification (germline): Uncertain significance (1 of 4 stars; one submission).

Submission:

Labcorp Genetics (formerly Invitae), Labcorp
Classification: Uncertain significance. Last evaluated: 2022-05-14. Review status: criteria provided, single submitter. Criteria: Invitae Variant Classification Sherloc (09022015). Collection method: clinical testing. Allele origin: germline.
Comment: The COL18A1 gene has multiple clinically relevant transcripts. This variant occurs in alternate transcript NM_030582.4, and corresponds to NM_130445.3:c.107-12606G>A in the primary transcript. This sequence change replaces glutamic acid, which is acidic and polar, with lysine, which is basic and polar, at codon 36 of the COL18A1 protein (p.Glu36Lys). This variant is not present in population databases (gnomAD no frequency). This variant has not been reported in the literature in individuals affected with COL18A1-related conditions. Experimental studies and prediction algorithms are not available or were not evaluated, and the functional significance of this variant is currently unknown. In summary, the available evidence is currently insufficient to determine the role of this variant in disease. Therefore, it has been classified as a Variant of Uncertain Significance.